The following is an entry in ClinVar:

NM_001008537.3(NEXMIF):c.4421A>G (p.Lys1474Arg)

Gene: NEXMIF (neurite extension and migration factor; minus strand). Cytogenetic location: Xq13.3.
Variant type: single nucleotide variant.
Coding change: c.4421A>G on transcript NM_001008537.3 (MANE Select); coding-DNA position 4421, A replaced by G.
Protein change: p.Lys1474Arg; replaces lysine 1474 with arginine.
Molecular consequence: missense variant.
Genome position (GRCh38, 1-based): chrX:74,740,136, T>C on the plus strand (A>G on the coding strand, the complement: NEXMIF is on the minus strand). VCF-style: chrX-74740136-T-C. GRCh37 (hg19) VCF-style: chrX-73959971-T-C.
Other names: short protein forms K1474R.
Identifiers: ClinVar variation 4540086 (VCV004540086.1).

ClinVar aggregate classification (germline): Uncertain significance (1 of 4 stars; one submission).

gnomAD v4.1: 1 of 1,211,170 alleles (0.000083%); highest among the groups gnomAD compares: East Asian, 0.003%; no homozygotes.

Submission:

GeneDx
Classification: Uncertain significance. Last evaluated: 2025-06-20. Review status: criteria provided, single submitter. Criteria: GeneDx Variant Classification Process June 2021. Collection method: clinical testing. Allele origin: germline. Affected: yes.
Comment: Not observed at significant frequency in large population cohorts (gnomAD); In silico analyses suggest that this missense variant does not alter protein structure/function but are inconclusive as to whether the variant alters gene splicing; in the absence of RNA/functional studies, the actual effect of this sequence change is unknown; Has not been previously published as pathogenic or benign to our knowledge